The following is an entry in ClinVar:

ClinVar aggregate classification (germline): Uncertain significance (1 of 4 stars; one submission).

Allele frequency attached by ClinVar (database versions not stated): gnomAD exomes below 0.00001; gnomAD 0.00001; TOPMed 0.00002.
gnomAD v4.1: 2 of 1,598,648 alleles (0.00013%); highest among the groups gnomAD compares: African/African-American, 0.0013%; no homozygotes.

Submission:

Labcorp Genetics (formerly Invitae), Labcorp
Classification: Uncertain significance. Last evaluated: 2024-10-07. Review status: criteria provided, single submitter. Criteria: Invitae Variant Classification Sherloc (09022015). Collection method: clinical testing. Allele origin: germline.
Comment: This sequence change replaces threonine, which is neutral and polar, with alanine, which is neutral and non-polar, at codon 1259 of the OBSL1 protein (p.Thr1259Ala). The frequency data for this variant in the population databases is considered unreliable, as metrics indicate poor data quality at this position in the gnomAD database. This variant has not been reported in the literature in individuals affected with OBSL1-related conditions. An algorithm developed to predict the effect of missense changes on protein structure and function (PolyPhen-2) suggests that this variant is likely to be tolerated. In summary, the available evidence is currently insufficient to determine the role of this variant in disease. Therefore, it has been classified as a Variant of Uncertain Significance.

NM_015311.3(OBSL1):c.3775A>G (p.Thr1259Ala)

Gene: OBSL1 (obscurin like cytoskeletal adaptor 1; minus strand). Cytogenetic location: 2q35.
Variant type: single nucleotide variant.
Coding change: c.3775A>G on transcript NM_015311.3 (MANE Select); coding-DNA position 3775, A replaced by G.
Protein change: p.Thr1259Ala; replaces threonine 1259 with alanine.
Molecular consequence: missense variant.
Genome position (GRCh38, 1-based): chr2:219,557,838, T>C on the plus strand (A>G on the coding strand, the complement: OBSL1 is on the minus strand). VCF-style: chr2-219557838-T-C. GRCh37 (hg19) VCF-style: chr2-220422560-T-C.
Other names: c.3775A>G, p.Thr1259Ala (NM_001173431.2); short protein forms T1259A.
Identifiers: ClinVar variation 2977114 (VCV002977114.3), dbSNP rs777013295, ClinGen allele CA66028473.